The following is an entry in ClinVar:

ClinVar aggregate classification (germline): Pathogenic (1 of 4 stars; one submission).

Conditions:
Spondyloenchondrodysplasia with immune dysregulation (SPENCDI). Also called: ROIFMAN IMMUNOSKELETAL SYNDROME; COMBINED IMMUNODEFICIENCY WITH AUTOIMMUNITY AND SPONDYLOMETAPHYSEAL DYSPLASIA; SPONDYLOENCHONDRODYSPLASIA WITH OR WITHOUT IMMUNE DYSREGULATION. Identifiers: Orphanet 1855, MedGen C1842763, MONDO:0011939, OMIM 607944.

Submission:

Labcorp Genetics (formerly Invitae), Labcorp
Classification: Pathogenic for Spondyloenchondrodysplasia with immune dysregulation. Last evaluated: 2019-07-17. Review status: criteria provided, single submitter. Criteria: Invitae Variant Classification Sherloc (09022015). Collection method: clinical testing. Allele origin: germline.
Comment: This variant is not present in population databases (ExAC no frequency). This sequence change creates a premature translational stop signal (p.Leu15Profs*8) in the ACP5 gene. It is expected to result in an absent or disrupted protein product. This variant has not been reported in the literature in individuals with ACP5-related conditions. Loss-of-function variants in ACP5 are known to be pathogenic (PMID: 21217752, 21217755). For these reasons, this variant has been classified as Pathogenic.

Literature cited by the submitters: PubMed 21217752; PubMed 21217755.

NM_001611.5(ACP5):c.44_65del (p.Leu15fs)

Gene: ACP5 (acid phosphatase 5, tartrate resistant; minus strand). Cytogenetic location: 19p13.2.
Variant type: Deletion.
Coding change: c.44_65del on transcript NM_001611.5 (MANE Select); coding-DNA positions 44 to 65, 22 bases deleted (TACCCTCCCTGGCTGATGGTGC).
Protein change: p.Leu15fs; shifts the reading frame from leucine 15.
Molecular consequence: frameshift variant.
Genome position (GRCh38, 1-based): chr19:11,577,253-11,577,274, GCACCATCAGCCAGGGAGGGTA deleted on the plus strand (TACCCTCCCTGGCTGATGGTGC on the coding strand, the reverse complement: ACP5 is on the minus strand); deleting any 22 consecutive bases within chr19:11,577,253-11,577,277 gives the same sequence; the c. name uses the placement nearest the transcript's 3' end. VCF-style (leftmost placement, unchanged base first): chr19-11577252-GGCACCATCAGCCAGGGAGGGTA-G. GRCh37 (hg19) VCF-style: chr19-11688067-GGCACCATCAGCCAGGGAGGGTA-G.
Other names: c.44_65del, p.Leu15fs (NM_001111034.3, NM_001111035.3, NM_001111036.3 and 1 more transcripts); short protein forms L15fs.
Identifiers: ClinVar variation 953742 (VCV000953742.8), dbSNP rs1973203506, ClinGen allele CA1139666249.
Genomic context (GRCh38, chr19:11,577,252, plus strand): 5'-GAATGGGGCATTGGGGACCCCTCCCCAGTCACCCACGGCTACAAAGCGCAGGGCAGGGGT[GGCACCATCAGCCAGGGAGGGTA>G]GCAACAAGGCTTGCAGGATGAGCAGCGCCGTCCACATGTCCATCTGGGAGAAGAGAGACA-3'